The following is an entry in ClinVar:

NM_015178.3(RHOBTB2):c.1488del (p.Gly497fs)

Gene: RHOBTB2 (Rho related BTB domain containing 2; plus strand). Cytogenetic location: 8p21.3.
Variant type: Deletion.
Coding change: c.1488del on transcript NM_015178.3 (MANE Select); coding-DNA position 1488, one base deleted (A; older notation c.1488delA).
Protein change: p.Gly497fs; shifts the reading frame from glycine 497.
Molecular consequence: frameshift variant.
Genome position (GRCh38, 1-based): chr8:23,007,733, A deleted; the last of 4 consecutive A bases (chr8:23,007,730-23,007,733); deleting any one gives the same sequence. VCF-style (leftmost placement, unchanged base first): chr8-23007729-CA-C. GRCh37 (hg19) VCF-style: chr8-22865242-CA-C.
Other names: c.1554del, p.Gly519fs (NM_001160036.2); c.1509del, p.Gly504fs (NM_001160037.2); c.1488del, p.Gly497fs (NM_001374791.1); short protein forms G497fs, G504fs, G519fs.
Identifiers: ClinVar variation 1342421 (VCV001342421.1), dbSNP rs1376454917, ClinGen allele CA2573053004.

ClinVar aggregate classification (germline): Uncertain significance (1 of 4 stars; one submission).

Conditions:
Developmental and epileptic encephalopathy, 64. Also called: EPILEPTIC ENCEPHALOPATHY, EARLY INFANTILE, 64. Identifiers: MedGen C4693899, MONDO:0033373, OMIM 618004.

Submission:

New York Genome Center
Classification: Uncertain significance for Developmental and epileptic encephalopathy, 64. Last evaluated: 2021-04-09. Review status: criteria provided, single submitter. Criteria: NYGC Assertion Criteria 2020. Collection method: clinical testing. Allele origin: germline. Observed: 1 heterozygote. Study: CSER-NYCKidSeq.
Comment: The c.1488del, p.Gly497AlafsTer6, frameshift variant in the RHOBTB2 gene has not been reported in the literature. This variant is not reported in the gnomAD v3 database, indicating this is a rare allele. The variant is expected to result in a truncated protein or protein loss due to nonsense-mediated messenger decay (NMD). The current clinical and genetic evidence is not sufficient to establish whether loss-of-function variants in RHOBTB2 gene cause disease. Based on the available evidence, the variant c.1488del, p.Gly497AlafsTer6, in the RHOBTB2 gene is classified as a Variant of Uncertain Significance.